The following is an entry in ClinVar:

ClinVar aggregate classification (germline): Uncertain significance (1 of 4 stars; one submission).

Conditions:
Inborn genetic diseases. Identifiers: MedGen C0950123, MeSH D030342.

Submission:

Ambry Genetics
Classification: Uncertain significance for Inborn genetic diseases. Last evaluated: 2022-04-19. Review status: criteria provided, single submitter. Criteria: Ambry Variant Classification Scheme 2023. Collection method: clinical testing. Allele origin: germline.
Comment: The p.A94G variant (also known as c.281C>G), located in coding exon 3 of the EPAS1 gene, results from a C to G substitution at nucleotide position 281. The alanine at codon 94 is replaced by glycine, an amino acid with similar properties. This amino acid position is conserved. In addition, this alteration is predicted to be tolerated by in silico analysis. Since supporting evidence is limited at this time, the clinical significance of this alteration remains unclear.

NM_001430.5(EPAS1):c.281C>G (p.Ala94Gly)

Gene: EPAS1 (endothelial PAS domain protein 1; plus strand). Cytogenetic location: 2p21.
Variant type: single nucleotide variant.
Coding change: c.281C>G on transcript NM_001430.5 (MANE Select); coding-DNA position 281, C replaced by G.
Protein change: p.Ala94Gly; replaces alanine 94 with glycine.
Molecular consequence: missense variant.
Genome position (GRCh38, 1-based): chr2:46,356,214, C>G. VCF-style: chr2-46356214-C-G. GRCh37 (hg19) VCF-style: chr2-46583353-C-G.
Other names: short protein forms A94G.
Identifiers: ClinVar variation 1796421 (VCV001796421.2), dbSNP rs752029078, ClinGen allele CA346697802.